The following is an entry in ClinVar:

ClinVar aggregate classification (germline): Uncertain significance (1 of 4 stars; one submission).

Submission:

Labcorp Genetics (formerly Invitae), Labcorp
Classification: Uncertain significance. Last evaluated: 2024-03-16. Review status: criteria provided, single submitter. Criteria: Invitae Variant Classification Sherloc (09022015). Collection method: clinical testing. Allele origin: germline.
Comment: This sequence change replaces methionine, which is neutral and non-polar, with valine, which is neutral and non-polar, at codon 265 of the EIF2AK2 protein (p.Met265Val). This variant is present in population databases (no rsID available, gnomAD 0.01%). This variant has not been reported in the literature in individuals affected with EIF2AK2-related conditions. An algorithm developed to predict the effect of missense changes on protein structure and function (PolyPhen-2) suggests that this variant is likely to be tolerated. In summary, the available evidence is currently insufficient to determine the role of this variant in disease. Therefore, it has been classified as a Variant of Uncertain Significance.

NM_001135651.3(EIF2AK2):c.793A>G (p.Met265Val)

Gene: EIF2AK2 (eukaryotic translation initiation factor 2 alpha kinase 2; minus strand). Cytogenetic location: 2p22.2.
Variant type: single nucleotide variant.
Coding change: c.793A>G on transcript NM_001135651.3 (MANE Select); coding-DNA position 793, A replaced by G.
Protein change: p.Met265Val; replaces methionine 265 with valine.
Molecular consequence: missense variant. On other transcripts: intron variant (1).
Genome position (GRCh38, 1-based): chr2:37,126,404, T>C on the plus strand (A>G on the coding strand, the complement: EIF2AK2 is on the minus strand). VCF-style: chr2-37126404-T-C. GRCh37 (hg19) VCF-style: chr2-37353547-T-C.
Other names: c.793A>G, p.Met265Val (NM_002759.4); c.786-3740A>G (NM_001135652.2); short protein forms M265V.
Identifiers: ClinVar variation 3631999 (VCV003631999.2).